The following is an entry in ClinVar:

ClinVar aggregate classification (germline): Likely benign. Review status: criteria provided, multiple submitters, no conflicts (2 of 4 stars). 3 submissions from 3 submitters: Likely benign (3). Last evaluated 2023-06-28.

Conditions:
Lethal congenital glycogen storage disease of heart. Also called: PHOSPHORYLASE KINASE DEFICIENCY OF HEART; GLYCOGEN STORAGE DISEASE OF HEART. Identifiers: Orphanet 439854, MedGen C1849813, MONDO:0009867, OMIM 261740.
Hypertrophic cardiomyopathy. Also called: HYPERTROPHIC MYOCARDIOPATHY. Identifiers: Orphanet 217569, MedGen C0007194, MeSH D002312, MONDO:0005045, HP:0001639.
Cardiomyopathy (CMYO). Also called: Cardiomyopathies. Identifiers: Orphanet 167848, MedGen C0878544, MONDO:0004994, HP:0001638. Inheritance: Various modes of inheritance.

Submissions (3):

All of Us Research Program, National Institutes of Health
Classification: Likely benign for Hypertrophic cardiomyopathy. Last evaluated: 2023-06-28. Review status: criteria provided, single submitter. Criteria: ACMG Guidelines, 2015. Collection method: clinical testing. Allele origin: germline. Inheritance: Autosomal dominant inheritance. Observed: 1 variant allele, 1 heterozygote.
Comment: This study involves interpretation of variants in research participants for the purpose of population health screening. Participant phenotype was not available at the time of variant classification. Additional details can be found in publication PMID: 35346344, PMCID: PMC8962531

Labcorp Genetics (formerly Invitae), Labcorp
Classification: Likely benign for Lethal congenital glycogen storage disease of heart. Last evaluated: 2022-07-26. Review status: criteria provided, single submitter. Criteria: Invitae Variant Classification Sherloc (09022015). Collection method: clinical testing. Allele origin: germline.

Color Diagnostics, LLC DBA Color Health
Classification: Likely benign for Cardiomyopathy. Last evaluated: 2021-04-06. Review status: criteria provided, single submitter. Criteria: ACMG Guidelines, 2015. Collection method: clinical testing. Allele origin: germline.

NM_016203.4(PRKAG2):c.609G>A (p.Arg203=)

Gene: PRKAG2 (protein kinase AMP-activated non-catalytic subunit gamma 2; minus strand). Cytogenetic location: 7q36.1.
Variant type: single nucleotide variant.
Coding change: c.609G>A on transcript NM_016203.4 (MANE Select); coding-DNA position 609, G replaced by A.
Protein change: p.Arg203=; no amino-acid change (arginine 203 retained).
Molecular consequence: synonymous variant.
Genome position (GRCh38, 1-based): chr7:151,675,495, C>T on the plus strand (G>A on the coding strand, the complement: PRKAG2 is on the minus strand). VCF-style: chr7-151675495-C-T. GRCh37 (hg19) VCF-style: chr7-151372581-C-T.
Other names: c.477G>A, p.Arg159= (NM_001040633.2); c.237G>A, p.Arg79= (NM_001304527.2, NM_001363698.2).
Identifiers: ClinVar variation 1094154 (VCV001094154.12), dbSNP rs2151476806, ClinGen allele CA458798318.
Genomic context (GRCh38, chr7:151,675,495, plus strand): 5'-ATAGTGTGTCGGTGATGCCAGTGGAGGCCTGGTCGGGCTCTGGAAGGAAGACGGGCAGAA[C>T]CTCTGCCCTGTGTCCGGGGGGGAAGACGAGGCATAGATGCGATTCTCTAACCGTTCAGGC-3'
Protein context (NP_057287.2, residues 193-213): ASSSPPDTGQ[Arg203=]FCPSSFQSPT